The following is an entry in ClinVar:

NM_017777.4(MKS1):c.1476T>G (p.Cys492Trp)

Gene: MKS1 (MKS transition zone complex subunit 1; minus strand). Cytogenetic location: 17q22.
Variant type: single nucleotide variant.
Coding change: c.1476T>G on transcript NM_017777.4 (MANE Select); coding-DNA position 1476, T replaced by G.
Protein change: p.Cys492Trp; replaces cysteine 492 with tryptophan.
Molecular consequence: missense variant. On other transcripts: intron variant (2).
Genome position (GRCh38, 1-based): chr17:58,206,479, A>C on the plus strand (T>G on the coding strand, the complement: MKS1 is on the minus strand). VCF-style: chr17-58206479-A-C. GRCh37 (hg19) VCF-style: chr17-56283840-A-C.
Other names: c.867T>G, p.Cys289Trp (NM_001321268.2); c.1274-99T>G (NM_001330397.2); c.1408-99T>G (NM_001321269.2); short protein forms C492W, C289W.
Identifiers: ClinVar variation 1393 (VCV000001393.23), dbSNP rs137853105, ClinGen allele CA251777.

ClinVar aggregate classification (germline): Conflicting classifications of pathogenicity. Review status: criteria provided, conflicting classifications (1 of 4 stars). 14 submissions from 13 submitters: Pathogenic (4); Likely pathogenic (7); Uncertain significance (1). 2 of the submissions do not count toward it. Last evaluated 2025-12-18.

Conditions:
Joubert syndrome 28 (JBTS28). Identifiers: MedGen C4310705, MONDO:0014928, OMIM 617121.
Meckel syndrome, type 1 (MKS1). Also called: MECKEL-GRUBER SYNDROME, TYPE 1. Identifiers: Orphanet 564, MedGen C3714506, MONDO:0009571, OMIM 249000.
Bardet-Biedl syndrome 13 (BBS13). Identifiers: Orphanet 110, MedGen C2673873, MONDO:0014441, OMIM 615990.
Polydactyly. Also called: polydactylism. Identifiers: MedGen C0152427, MONDO:0021003, OMIM 603596, HP:0010442.
Hypotonia. Also called: Muscular hypotonia; poor muscle tone. Identifiers: MedGen C0026827, HP:0001252.
Nystagmus. Identifiers: MedGen C0028738, MONDO:0004843, HP:0000639.
MKS1-related disorder. Also called: MKS1-related condition; MKS1-related disorders. Identifiers: MedGen CN239382.
Joubert syndrome. Also called: Familial aplasia of the vermis; JOUBERT-BOLTSHAUSER SYNDROME. Identifiers: Orphanet 475, MedGen C5979921, MONDO:0018772.
Meckel-Gruber syndrome. Also called: Dysencephalia splachnocystica; DYSENCEPHALIA SPLANCHNOCYSTICA; GRUBER SYNDROME. Identifiers: Orphanet 564, MedGen C0265215, MONDO:0018921.
Bardet-Biedl syndrome (BBS). Identifiers: Orphanet 110, MedGen C0752166, MONDO:0015229.

Allele frequency attached by ClinVar (database versions not stated): TOPMed 0.00002; gnomAD 0.00003; gnomAD exomes 0.00003 and 0.00006; ExAC 0.00005.

Submissions (14):

Natera, Inc.
Classification: Likely pathogenic for Meckel syndrome type 1. Last evaluated: 2025-12-18. Review status: criteria provided, single submitter. Criteria: Natera Variant Classification Schema (03/2026). Collection method: clinical testing. Allele origin: germline.
Comment: The c.1476T>G variant in MKS1 is a missense variant predicted to cause substitution of cysteine to tryptophan at amino acid 492. This variant is rare in the general population with a frequency below the threshold expected for the associated phenotype(s). This variant has been observed in one or more individuals affected with the associated recessive disease, as either homozygous or compound heterozygous with a second variant (PMID: 36788019, 34008892, 28125082). Computational prediction algorithms indicate this variant is likely to affect gene or protein function. Given the available evidence, this variant is classified as Likely Pathogenic.

PreventionGenetics, part of Exact Sciences
Classification: Likely pathogenic for MKS1-related condition. Last evaluated: 2025-11-17. Review status: criteria provided, single submitter. Criteria: ACMG Guidelines, 2015. Collection method: clinical testing. Allele origin: germline.
Comment: The MKS1 c.1476T>G variant is predicted to result in the amino acid substitution p.Cys492Trp. This variant has been reported in the compound heterozygous state in multiple individuals with Bardet-Biedl syndrome and Joubert syndrome (Leitch et al. 2008. PubMed ID: 18327255; supplementary table 2, Summers et al. 2017. PubMed ID: 28497568; supplementary table 2, Marinakis et al. 2021. PubMed ID: 34008892; Serpieri et al. 2023. PubMed ID: 36788019). This variant has also been reported in the homozygous state in a neuropediatric cohort and in healthy individuals (van der Ven et al. 2021. PubMed ID: 34490615, Serpieri et al. 2023. PubMed ID: 36788019). In vitro functional studies indicated that this variant leads to impaired ability to form primary cilia and mildly reduced ciliary length when compared to controls. However, a more severe reduction in cilia length was observed when the variant was combined with a more deleterious variant, suggesting that c.1476T>G could act as a hypomorphic variant (Leitch et al. 2008. PubMed ID: 18327255; Serpieri et al. 2023. PubMed ID: 36788019). This variant is reported in 0.012% of alleles in individuals of European (Non-Finnish) descent in gnomAD. We classify this variant as likely pathogenic.

Labcorp Genetics (formerly Invitae), Labcorp
Classification: Pathogenic for Joubert syndrome; Meckel-Gruber syndrome. Last evaluated: 2025-10-06. Review status: criteria provided, single submitter. Criteria: Invitae Variant Classification Sherloc (09022015). Collection method: clinical testing. Allele origin: germline.
Comment: This sequence change replaces cysteine, which is neutral and slightly polar, with tryptophan, which is neutral and slightly polar, at codon 492 of the MKS1 protein (p.Cys492Trp). This variant is present in population databases (rs137853105, gnomAD 0.01%). This missense change has been observed in individual(s) with Bardet-Biedl syndrome or Joubert syndrome (PMID: 18327255, 28497568, 34008892; internal data). In at least one individual the data is consistent with being in trans (on the opposite chromosome) from a pathogenic variant. ClinVar contains an entry for this variant (Variation ID: 1393). Invitae Evidence Modeling of protein sequence and biophysical properties (such as structural, functional, and spatial information, amino acid conservation, physicochemical variation, residue mobility, and thermodynamic stability) indicates that this missense variant is expected to disrupt MKS1 protein function with a positive predictive value of 80%. Experimental studies have shown that this missense change affects MKS1 function (PMID: 18327255). For these reasons, this variant has been classified as Pathogenic.

Blueprint Genetics
Classification: Pathogenic for MKS1-related disorders. Last evaluated: 2024-11-26. Review status: criteria provided, single submitter. Criteria: ACMG Guidelines, 2015. Collection method: clinical testing. Allele origin: germline. Affected: yes. Observed: 5 variant alleles.

Fulgent Genetics
Classification: Likely pathogenic for Meckel syndrome, type 1; Bardet-Biedl syndrome 13; Joubert syndrome 28. Last evaluated: 2024-04-04. Review status: criteria provided, single submitter. Criteria: ACMG Guidelines, 2015. Collection method: clinical testing. Allele origin: germline.

Baylor Genetics
Classification: Likely pathogenic for Bardet-Biedl syndrome 13. Last evaluated: 2024-03-30. Review status: criteria provided, single submitter. Criteria: ACMG Guidelines, 2015. Collection method: clinical testing. Allele origin: unknown.

Genetic Services Laboratory, University of Chicago
Classification: Likely pathogenic. Last evaluated: 2024-03-12. Review status: criteria provided, single submitter. Criteria: ACMG Guidelines, 2015. Collection method: clinical testing. Allele origin: germline. Affected: yes.
Comment: DNA sequence analysis of the MKS1 gene demonstrated a sequence change, c.1476T>G, in exon 16 that results in an amino acid change, p.Cys492Trp. The p.Cys492Trp change affects a highly conserved amino acid residue located in a domain of the MKS1 protein that is known to be functional. In-silico pathogenicity prediction tools (SIFT, PolyPhen2, Align GVGD, REVEL) provide contradictory results for the p.Cys492Trp substitution. This amino acid change does not has been described in the literature in the compound heterozygous state with a second pathogenic MKS1 variant an individual with Bardet-Biedl syndrome (PMID: 18327255). Functional studies suggest that this amino acid change has a damaging effect on MKS1 function (PMID: 18327255). This sequence change has been described in the gnomAD database with a frequency of 0.003% in the overall population (dbSNP rs137853105). The p.Cys492Trp amino acid change occurs in a region of the MKS1 gene where other missense sequence changes have been described in individuals with MKS1-related disorders. Collectively, this evidence indicates that this sequence change is likely pathogenic, however functional studies have not been performed to prove this conclusively.

Laboratory of Medical Genetics, National & Kapodistrian University of Athens
Classification: Likely pathogenic for Meckel syndrome, type 1. Last evaluated: 2024-02-01. Review status: criteria provided, single submitter. Criteria: ACMG Guidelines, 2015. Collection method: curation. Allele origin: germline. Affected: no.

Department of Pathology and Laboratory Medicine, Sinai Health System
Classification: Pathogenic for Bardet-Biedl syndrome. Last evaluated: 2023-07-28. Review status: criteria provided, single submitter. Criteria: ACMG Guidelines, 2015. Collection method: research. Allele origin: germline.

Laboratory of Medical Genetics, National & Kapodistrian University of Athens
Classification: Likely pathogenic for Joubert syndrome 28. Last evaluated: 2021-10-01. Review status: criteria provided, single submitter. Criteria: ACMG Guidelines, 2015. Collection method: clinical testing. Allele origin: paternal. Affected: yes.
Comment: PM2, PM3, PP3, PP5

GeneDx
Classification: Uncertain significance. Last evaluated: 2021-01-20. Review status: criteria provided, single submitter. Criteria: GeneDx Variant Classification Process June 2021. Collection method: clinical testing. Allele origin: germline. Affected: yes.
Comment: In silico analysis supports that this missense variant has a deleterious effect on protein structure/function; This variant is associated with the following publications: (PMID: 18327255, 28497568)

Centre for Mendelian Genomics, University Medical Centre Ljubljana
Classification: Pathogenic for Hypotonia; Nystagmus; Polydactyly. Last evaluated: 2017-01-01. Review status: criteria provided, single submitter. Criteria: ACMG Guidelines, 2015. Collection method: clinical testing. Allele origin: unknown. Affected: yes.

Counsyl
Classification: Uncertain significance for Meckel syndrome, type 1; Bardet-Biedl syndrome 13; Joubert syndrome 28. Last evaluated: 2017-03-16. Review status: no assertion criteria provided. Collection method: clinical testing. Allele origin: unknown. Not counted in ClinVar's aggregate classification.

OMIM
Classification: Pathogenic for BARDET-BIEDL SYNDROME 13. Last evaluated: 2008-04-01. Review status: no assertion criteria provided. Collection method: literature only. Allele origin: germline. Not counted in ClinVar's aggregate classification.

Literature cited by the submitters: PubMed 36788019 (cited by Natera, Inc.); PubMed 34008892 (cited by 3 submitters); PubMed 28125082 (cited by Natera, Inc.); PubMed 18327255 (cited by 3 submitters); PubMed 28497568 (cited by Labcorp Genetics (formerly Invitae), Labcorp).